The following is an entry in ClinVar:

NM_001277115.2(DNAH11):c.6195G>T (p.Trp2065Cys)

Gene: DNAH11 (dynein axonemal heavy chain 11; plus strand). Cytogenetic location: 7p15.3.
Variant type: single nucleotide variant.
Coding change: c.6195G>T on transcript NM_001277115.2 (MANE Select); coding-DNA position 6195, G replaced by T.
Protein change: p.Trp2065Cys; replaces tryptophan 2065 with cysteine.
Molecular consequence: missense variant.
Genome position (GRCh38, 1-based): chr7:21,702,724, G>T. VCF-style: chr7-21702724-G-T. GRCh37 (hg19) VCF-style: chr7-21742342-G-T.
Other names: short protein forms W2065C.
Identifiers: ClinVar variation 1401981 (VCV001401981.8), dbSNP rs780650546, ClinGen allele CA366936161.

ClinVar aggregate classification (germline): Uncertain significance (1 of 4 stars; one submission).

Conditions:
Primary ciliary dyskinesia. Also called: Ciliary dyskinesia. Identifiers: Orphanet 244, MedGen C0008780, MONDO:0016575, HP:0012265.

gnomAD v4.1: 2 of 1,613,466 alleles (0.00012%); highest among the groups gnomAD compares: Non-Finnish European, 0.00017%; no homozygotes.

Submission:

Labcorp Genetics (formerly Invitae), Labcorp
Classification: Uncertain significance for Primary ciliary dyskinesia. Last evaluated: 2021-07-13. Review status: criteria provided, single submitter. Criteria: Invitae Variant Classification Sherloc (09022015). Collection method: clinical testing. Allele origin: germline.
Comment: In summary, the available evidence is currently insufficient to determine the role of this variant in disease. Therefore, it has been classified as a Variant of Uncertain Significance. Algorithms developed to predict the effect of missense changes on protein structure and function are either unavailable or do not agree on the potential impact of this missense change (SIFT: "Deleterious"; PolyPhen-2: "Probably Damaging"; Align-GVGD: "Class C0"). This variant has not been reported in the literature in individuals affected with DNAH11-related conditions. This variant is not present in population databases (ExAC no frequency). This sequence change replaces tryptophan with cysteine at codon 2065 of the DNAH11 protein (p.Trp2065Cys). The tryptophan residue is highly conserved and there is a large physicochemical difference between tryptophan and cysteine.